The following is an entry in ClinVar:

NM_001193315.2(VIPAS39):c.1179+9C>G

Gene: VIPAS39 (VPS33B interacting protein, apical-basolateral polarity regulator, spe-39 homolog; minus strand). Cytogenetic location: 14q24.3.
Variant type: single nucleotide variant.
Coding change: c.1179+9C>G on transcript NM_001193315.2 (MANE Select); 9 bases into the intron after coding-DNA position 1179, C replaced by G.
Molecular consequence: intron variant.
Genome position (GRCh38, 1-based): chr14:77,433,833, G>C on the plus strand (C>G on the coding strand, the complement: VIPAS39 is on the minus strand). VCF-style: chr14-77433833-G-C. GRCh37 (hg19) VCF-style: chr14-77900176-G-C.
Other names: c.939+9C>G (NM_001400337.1); c.1032+9C>G (NM_001193316.2, NM_001400324.1, NM_001400325.1); c.1086+9C>G (NM_001400333.1, NM_001400334.1); c.1146+9C>G (NM_001400327.1); c.987+429C>G (NM_001400338.1); c.894+9C>G (NM_001400339.1); c.1044+9C>G (NM_001400336.1); c.1179+9C>G (NM_001400330.1, NM_001400335.1, NM_001400332.1 and 6 more transcripts).
Identifiers: ClinVar variation 3607963 (VCV003607963.3).
Genomic context (GRCh38, chr14:77,433,833, plus strand): 5'-TAGAACTTATAACATGATAGAACCCTTCTGTCTCCCAAGGCCTCAGCAGCACAGGGGCAG[G>C]GCACACACCTTTGTGGTGAATAGGGCATCTACATCATTCCAGGCTCGAAGCTTGGCACGA-3'

ClinVar aggregate classification (germline): Likely benign. Review status: criteria provided, multiple submitters, no conflicts (2 of 4 stars). 2 submissions from 2 submitters: Likely benign (2). Last evaluated 2025-12-23.

Conditions:
VIPAS39-related disorder. Also called: VIPAS39-related condition.

gnomAD v4.1: 16 of 1,613,624 alleles (0.00099%); highest among the groups gnomAD compares: African/African-American, 0.02%; no homozygotes.

Submissions (2):

Labcorp Genetics (formerly Invitae), Labcorp
Classification: Likely benign. Last evaluated: 2025-12-23. Review status: criteria provided, single submitter. Criteria: Invitae Variant Classification Sherloc (09022015). Collection method: clinical testing. Allele origin: germline.

PreventionGenetics, part of Exact Sciences
Classification: Likely benign for VIPAS39-related condition. Last evaluated: 2025-01-31. Review status: criteria provided, single submitter. Criteria: ACMG Guidelines, 2015. Collection method: clinical testing. Allele origin: germline.
Comment: This variant is classified as likely benign based on ACMG/AMP sequence variant interpretation guidelines (Richards et al. 2015 PMID: 25741868, with internal and published modifications).